The following is an entry in ClinVar:

ClinVar aggregate classification (germline): Uncertain significance. Review status: criteria provided, multiple submitters, no conflicts (2 of 4 stars). 2 submissions from 2 submitters: Uncertain significance (2). Last evaluated 2024-11-21.

Conditions:
Hereditary cancer-predisposing syndrome. Also called: Neoplastic Syndromes, Hereditary; Hereditary Cancer Syndrome; Hereditary neoplastic syndrome; Tumor predisposition. Identifiers: Orphanet 140162, MedGen C0027672, MeSH D009386, MONDO:0015356.
DICER1-related tumor predisposition. Also called: DICER1-related pleuropulmonary blastoma cancer predisposition syndrome; DICER1 syndrome. Identifiers: Orphanet 284343, MedGen C3839822, MONDO:0100216.

Submissions (2):

Ambry Genetics
Classification: Uncertain significance for Hereditary cancer-predisposing syndrome. Last evaluated: 2024-11-21. Review status: criteria provided, single submitter. Criteria: Ambry Variant Classification Scheme 2023. Collection method: clinical testing. Allele origin: germline.
Comment: The p.D305Y variant (also known as c.913G>T), located in coding exon 7 of the DICER1 gene, results from a G to T substitution at nucleotide position 913. The aspartic acid at codon 305 is replaced by tyrosine, an amino acid with highly dissimilar properties. This amino acid position is conserved. In addition, the in silico prediction for this alteration is inconclusive. Based on the available evidence, the clinical significance of this variant remains unclear.

Labcorp Genetics (formerly Invitae), Labcorp
Classification: Uncertain significance for DICER1-related tumor predisposition. Last evaluated: 2023-05-02. Review status: criteria provided, single submitter. Criteria: Invitae Variant Classification Sherloc (09022015). Collection method: clinical testing. Allele origin: germline.
Comment: In summary, the available evidence is currently insufficient to determine the role of this variant in disease. Therefore, it has been classified as a Variant of Uncertain Significance. Advanced modeling of protein sequence and biophysical properties (such as structural, functional, and spatial information, amino acid conservation, physicochemical variation, residue mobility, and thermodynamic stability) performed at Invitae indicates that this missense variant is not expected to disrupt DICER1 protein function. This variant has not been reported in the literature in individuals affected with DICER1-related conditions. This variant is not present in population databases (gnomAD no frequency). This sequence change replaces aspartic acid, which is acidic and polar, with tyrosine, which is neutral and polar, at codon 305 of the DICER1 protein (p.Asp305Tyr).

NM_177438.3(DICER1):c.913G>T (p.Asp305Tyr)

Gene: DICER1 (dicer 1, ribonuclease III; minus strand). Cytogenetic location: 14q32.13.
Variant type: single nucleotide variant.
Coding change: c.913G>T on transcript NM_177438.3 (MANE Select); coding-DNA position 913, G replaced by T.
Protein change: p.Asp305Tyr; replaces aspartic acid 305 with tyrosine.
Molecular consequence: missense variant. On other transcripts: 5 prime UTR variant (1), non-coding transcript variant (6).
Genome position (GRCh38, 1-based): chr14:95,124,659, C>A on the plus strand (G>T on the coding strand, the complement: DICER1 is on the minus strand). VCF-style: chr14-95124659-C-A. GRCh37 (hg19) VCF-style: chr14-95590996-C-A.
Other names: c.913G>T, p.Asp305Tyr (NM_001195573.1, NM_001271282.3, NM_001291628.2 and 15 more transcripts); c.631G>T, p.Asp211Tyr (NM_001395686.1); c.508G>T, p.Asp170Tyr (NM_001395687.1, NM_001395688.1, NM_001395689.1 and 3 more transcripts); c.346G>T, p.Asp116Tyr (NM_001395691.1); c.-656G>T (NM_001395697.1); short protein forms D211Y, D170Y, D116Y, D305Y.
Identifiers: ClinVar variation 2821541 (VCV002821541.4), dbSNP rs2543187998, ClinGen allele CA390887383.